The following is an entry in ClinVar:

NM_001367624.2(ZNF469):c.2406C>A (p.Asp802Glu)

Gene: ZNF469 (zinc finger protein 469; plus strand). Cytogenetic location: 16q24.2.
Variant type: single nucleotide variant.
Coding change: c.2406C>A on transcript NM_001367624.2 (MANE Select); coding-DNA position 2406, C replaced by A.
Protein change: p.Asp802Glu; replaces aspartic acid 802 with glutamic acid.
Molecular consequence: missense variant.
Genome position (GRCh38, 1-based): chr16:88,429,876, C>A. VCF-style: chr16-88429876-C-A. GRCh37 (hg19) VCF-style: chr16-88496284-C-A.
Other names: NM_001127464.1:c.2406C>A; short protein forms D802E.
Identifiers: ClinVar variation 1302295 (VCV001302295.3), dbSNP rs758477114, ClinGen allele CA397071874.
Genomic context (GRCh38, chr16:88,429,876, plus strand): 5'-CCCTGCCGACGCACACGCGGGCTTGCTCAGCCACGCGAAGACCTTCCTGTTAGCTGGGGA[C>A]GCCCAGGCCGAGGGCAAAGACGACCCCCTGAGGACAGGCTTCCTGCCCAGCCTGGCCGCC-3'
Protein context (NP_001354553.1, residues 792-812): SHAKTFLLAG[Asp802Glu]AQAEGKDDPL

ClinVar aggregate classification (germline): Uncertain significance. Review status: criteria provided, multiple submitters, no conflicts (2 of 4 stars). 2 submissions from 2 submitters: Uncertain significance (2). Last evaluated 2025-04-27.

gnomAD v4.1: 15 of 1,550,038 alleles (0.00097%); highest among the groups gnomAD compares: Non-Finnish European, 0.001%; no homozygotes.

Submissions (2):

Labcorp Genetics (formerly Invitae), Labcorp
Classification: Uncertain significance. Last evaluated: 2025-04-27. Review status: criteria provided, single submitter. Criteria: Invitae Variant Classification Sherloc (09022015). Collection method: clinical testing. Allele origin: germline.
Comment: This sequence change replaces aspartic acid, which is acidic and polar, with glutamic acid, which is acidic and polar, at codon 802 of the ZNF469 protein (p.Asp802Glu). This variant is not present in population databases (gnomAD no frequency). This variant has not been reported in the literature in individuals affected with ZNF469-related conditions. ClinVar contains an entry for this variant (Variation ID: 1302295). An algorithm developed to predict the effect of missense changes on protein structure and function outputs the following: PolyPhen-2: "Benign". The glutamic acid amino acid residue is found in multiple mammalian species, which suggests that this missense change does not adversely affect protein function. In summary, the available evidence is currently insufficient to determine the role of this variant in disease. Therefore, it has been classified as a Variant of Uncertain Significance.

GeneDx
Classification: Uncertain significance. Last evaluated: 2019-07-11. Review status: criteria provided, single submitter. Criteria: GeneDx Variant Classification Process June 2021. Collection method: clinical testing. Allele origin: germline. Affected: yes.
Comment: Not observed in large population cohorts (Lek et al., 2016); In silico analysis, which includes protein predictors and evolutionary conservation, supports that this variant does not alter protein structure/function; Has not been previously published as pathogenic or benign to our knowledge